The following is an entry in ClinVar:

NM_015910.7(WDPCP):c.1358G>T (p.Gly453Val)

Gene: WDPCP (WD repeat containing planar cell polarity effector; minus strand). Cytogenetic location: 2p15.
Variant type: single nucleotide variant.
Coding change: c.1358G>T on transcript NM_015910.7 (MANE Select); coding-DNA position 1358, G replaced by T.
Protein change: p.Gly453Val; replaces glycine 453 with valine.
Molecular consequence: missense variant. On other transcripts: non-coding transcript variant (3).
Genome position (GRCh38, 1-based): chr2:63,404,125, C>A on the plus strand (G>T on the coding strand, the complement: WDPCP is on the minus strand). VCF-style: chr2-63404125-C-A. GRCh37 (hg19) VCF-style: chr2-63631260-C-A.
Other names: c.881G>T, p.Gly294Val (NM_001042692.3); c.1286G>T, p.Gly429Val (NM_001354044.2); c.1358G>T, p.Gly453Val (NM_001354045.2); short protein forms G429V, G453V, G294V.
Identifiers: ClinVar variation 2006651 (VCV002006651.4), dbSNP rs2466506684, ClinGen allele CA347064581.

ClinVar aggregate classification (germline): Uncertain significance (1 of 4 stars; one submission).

Conditions:
Bardet-Biedl syndrome (BBS). Identifiers: Orphanet 110, MedGen C0752166, MONDO:0015229.

Allele frequency attached by ClinVar (database versions not stated): gnomAD exomes below 0.00001.
gnomAD v4.1: 2 of 1,614,106 alleles (0.00012%); highest among the groups gnomAD compares: Non-Finnish European, 0.00017%; no homozygotes.

Submission:

Labcorp Genetics (formerly Invitae), Labcorp
Classification: Uncertain significance for Bardet-Biedl syndrome. Last evaluated: 2022-09-09. Review status: criteria provided, single submitter. Criteria: Invitae Variant Classification Sherloc (09022015). Collection method: clinical testing. Allele origin: germline.
Comment: In summary, the available evidence is currently insufficient to determine the role of this variant in disease. Therefore, it has been classified as a Variant of Uncertain Significance. Advanced modeling of protein sequence and biophysical properties (such as structural, functional, and spatial information, amino acid conservation, physicochemical variation, residue mobility, and thermodynamic stability) performed at Invitae indicates that this missense variant is not expected to disrupt WDPCP protein function. This variant has not been reported in the literature in individuals affected with WDPCP-related conditions. This variant is not present in population databases (gnomAD no frequency). This sequence change replaces glycine, which is neutral and non-polar, with valine, which is neutral and non-polar, at codon 453 of the WDPCP protein (p.Gly453Val).